The following is an entry in ClinVar:

NM_006734.4(HIVEP2):c.2994T>A (p.Asp998Glu)

Gene: HIVEP2 (HIVEP zinc finger 2; minus strand). Cytogenetic location: 6q24.2.
Variant type: single nucleotide variant.
Coding change: c.2994T>A on transcript NM_006734.4 (MANE Select); coding-DNA position 2994, T replaced by A.
Protein change: p.Asp998Glu; replaces aspartic acid 998 with glutamic acid.
Molecular consequence: missense variant.
Genome position (GRCh38, 1-based): chr6:142,771,745, A>T on the plus strand (T>A on the coding strand, the complement: HIVEP2 is on the minus strand). VCF-style: chr6-142771745-A-T. GRCh37 (hg19) VCF-style: chr6-143092882-A-T.
Other names: short protein forms D998E.
Identifiers: ClinVar variation 2053019 (VCV002053019.4), dbSNP rs2482834956, ClinGen allele CA365907631.

ClinVar aggregate classification (germline): Uncertain significance (1 of 4 stars; one submission).

Submission:

Labcorp Genetics (formerly Invitae), Labcorp
Classification: Uncertain significance. Last evaluated: 2022-07-19. Review status: criteria provided, single submitter. Criteria: Invitae Variant Classification Sherloc (09022015). Collection method: clinical testing. Allele origin: germline.
Comment: In summary, the available evidence is currently insufficient to determine the role of this variant in disease. Therefore, it has been classified as a Variant of Uncertain Significance. Algorithms developed to predict the effect of missense changes on protein structure and function output the following: SIFT: "Deleterious"; PolyPhen-2: "Benign"; Align-GVGD: "Class C35". The glutamic acid amino acid residue is found in multiple mammalian species, which suggests that this missense change does not adversely affect protein function. This variant has not been reported in the literature in individuals affected with HIVEP2-related conditions. This variant is not present in population databases (gnomAD no frequency). This sequence change replaces aspartic acid, which is acidic and polar, with glutamic acid, which is acidic and polar, at codon 998 of the HIVEP2 protein (p.Asp998Glu).